The following is an entry in ClinVar:

ClinVar aggregate classification (germline): Pathogenic/Likely pathogenic. Review status: criteria provided, multiple submitters, no conflicts (2 of 4 stars). 5 submissions from 5 submitters: Pathogenic (3); Likely pathogenic (2). Last evaluated 2025-03-16.

Conditions:
Inborn genetic diseases. Identifiers: MedGen C0950123, MeSH D030342.
Charcot-Marie-Tooth disease type 4. Also called: Charcot-Marie-Tooth disease, type IV; Charcot-Marie-Tooth, Type 4. Identifiers: Orphanet 64749, MedGen C4082197, MONDO:0018995.
Charcot-Marie-Tooth disease type 4C (CMT4C). Also called: Charcot-Marie-Tooth Neuropathy Type 4C (CMT4C); CHARCOT-MARIE-TOOTH DISEASE, DEMYELINATING, TYPE 4C; CHARCOT-MARIE-TOOTH DISEASE, DEMYELINATING, AUTOSOMAL RECESSIVE, TYPE 4C; SH3TC2-Related Hereditary Motor and Sensory Neuropathy; CMT 4C. Identifiers: Orphanet 99949, MedGen C1866636, MONDO:0011113, OMIM 601596.

Submissions (5):

Labcorp Genetics (formerly Invitae), Labcorp
Classification: Pathogenic for Charcot-Marie-Tooth disease type 4. Last evaluated: 2025-03-16. Review status: criteria provided, single submitter. Criteria: Invitae Variant Classification Sherloc (09022015). Collection method: clinical testing. Allele origin: germline.
Comment: This sequence change replaces arginine, which is basic and polar, with glutamine, which is neutral and polar, at codon 529 of the SH3TC2 protein (p.Arg529Gln). This variant is present in population databases (no rsID available, gnomAD 0.003%). This missense change has been observed in individuals with Charcot-Marie-Tooth disease type 4C (PMID: 14574644, 19744956, 21840889, 23281072, 28555600). ClinVar contains an entry for this variant (Variation ID: 216005). An algorithm developed to predict the effect of missense changes on protein structure and function (PolyPhen-2) suggests that this variant is likely to be disruptive. Experimental studies have shown that this missense change affects SH3TC2 function (PMID: 19744956, 23553667). For these reasons, this variant has been classified as Pathogenic.

GeneDx
Classification: Pathogenic. Last evaluated: 2025-02-20. Review status: criteria provided, single submitter. Criteria: GeneDx Variant Classification Process June 2021. Collection method: clinical testing. Allele origin: germline. Affected: yes.
Comment: Published functional studies demonstrate a damaging effect on membrane trafficking (PMID: 23553667); In silico analysis supports a deleterious effect on protein structure/function; Also known as c.1586G>A p.(R529Q).; Not observed at significant frequency in large population cohorts (gnomAD); This variant is associated with the following publications: (PMID: 21840889, 18511281, 28555600, 23281072, 14574644, 19744956, 23553667)

Greenwood Genetic Center Diagnostic Laboratories, Greenwood Genetic Center
Classification: Pathogenic for Charcot-Marie-Tooth disease type 4C. Last evaluated: 2024-01-12. Review status: criteria provided, single submitter. Criteria: ACMG Guidelines, 2015. Collection method: clinical testing. Allele origin: germline. Affected: yes.
Comment: PS3, PM2, PM3_Strong, PM5_Supporting, PP3

MGZ Medical Genetics Center
Classification: Likely pathogenic for Charcot-Marie-Tooth disease type 4C. Last evaluated: 2021-10-05. Review status: criteria provided, single submitter. Criteria: ACMG Guidelines, 2015. Collection method: clinical testing. Allele origin: germline. Affected: yes. Observed: 1 variant allele.
Comment: ACMG criteria applied: PS3, PM5, PM2_SUP, PP3

Ambry Genetics
Classification: Likely pathogenic for Inborn genetic diseases. Last evaluated: 2021-04-21. Review status: criteria provided, single submitter. Criteria: Ambry Variant Classification Scheme 2023. Collection method: clinical testing. Allele origin: germline.
Comment: The c.1586_1587delGTinsAG variant (also known as p.R529Q), located in coding exon 11 of the SH3TC2 gene, results from an in-frame deletion of GT and insertion of AG at nucleotide positions 1586 to 1587. This results in the substitution of the arginine residue for a glutamine residue at codon 529, an amino acid with highly similar properties. This variant has been reported in the literature in the homozygous state as well as in trans with another likely pathogenic alteration in multiple unrelated patients affected with neuropathy (Senderek J et al. Am. J. Hum. Genet., 2003 Nov;73:1106-19; Lupo V et al. Hum Mol Genet, 2009 Dec;18:4603-14; Yger M et al. J Peripher Nerv Syst, 2012 Mar;17:112-22; Iguchi M et al. Muscle Nerve, 2013 Feb;47:283-6). Functional studies showed an abnormal effect on protein function in an in vitro cell based assay and abnormal localization with reduction or absence from the plasma membrane (Lupo V et al. Hum Mol Genet, 2009 Dec;18:4603-14; Gouttenoire EA et al. Glia, 2013 Jul;61:1041-51). This amino acid position is highly conserved in available vertebrate species. This variant is considered to be rare based on population cohorts in the Genome Aggregation Database (gnomAD). Based on the majority of available evidence to date, this variant is likely to be pathogenic.

Literature cited by the submitters: PubMed 14574644 (cited by Labcorp Genetics (formerly Invitae), Labcorp and Ambry Genetics); PubMed 19744956 (cited by Labcorp Genetics (formerly Invitae), Labcorp and Ambry Genetics); PubMed 21840889 (cited by Labcorp Genetics (formerly Invitae), Labcorp); PubMed 23281072 (cited by Labcorp Genetics (formerly Invitae), Labcorp and Ambry Genetics); PubMed 28555600 (cited by Labcorp Genetics (formerly Invitae), Labcorp); PubMed 23553667 (cited by Labcorp Genetics (formerly Invitae), Labcorp and Ambry Genetics); PubMed 22462672 (cited by Ambry Genetics).

NM_024577.4(SH3TC2):c.1586_1587delinsAG (p.Arg529Gln)

Gene: SH3TC2 (SH3 domain and tetratricopeptide repeats 2; minus strand). Cytogenetic location: 5q32.
Variant type: Indel.
Coding change: c.1586_1587delinsAG on transcript NM_024577.4 (MANE Select); coding-DNA positions 1586 to 1587, GT replaced by AG.
Protein change: p.Arg529Gln; replaces arginine 529 with glutamine.
Molecular consequence: missense variant.
Genome position (GRCh38, 1-based): chr5:149,028,145-149,028,146, AC replaced by CT on the plus strand (GT replaced by AG on the coding strand, the reverse complement: SH3TC2 is on the minus strand). VCF-style: chr5-149028145-AC-CT. GRCh37 (hg19) VCF-style: chr5-148407708-AC-CT.
Other names: c.1586_1587delGTinsAG (NM_024577.3); short protein forms R529Q.
Identifiers: ClinVar variation 216005 (VCV000216005.16), dbSNP rs863224454, ClinGen allele CA336470.